The following is an entry in ClinVar:

ClinVar aggregate classification (germline): Pathogenic (1 of 4 stars; one submission).

Conditions:
Familial thoracic aortic aneurysm and aortic dissection (TAAD). Also called: Thoracic aortic aneurysms and dissections. Identifiers: Orphanet 91387, MedGen C4707243, MONDO:0019625.
Marfan syndrome (MFS). Also called: MARFAN SYNDROME, TYPE I; Marfan syndrome type 1; Marfan's syndrome; Marfan syndrome, classic; FBN1-Related Marfan Syndrome. Identifiers: Orphanet 284963, Orphanet 558, MedGen C0024796, MONDO:0007947, OMIM 154700.

Submission:

Labcorp Genetics (formerly Invitae), Labcorp
Classification: Pathogenic for Marfan syndrome; Familial thoracic aortic aneurysm and aortic dissection. Last evaluated: 2022-08-21. Review status: criteria provided, single submitter. Criteria: Invitae Variant Classification Sherloc (09022015). Collection method: clinical testing. Allele origin: germline.
Comment: This sequence change creates a premature translational stop signal (p.Gln669*) in the FBN1 gene. It is expected to result in an absent or disrupted protein product. Loss-of-function variants in FBN1 are known to be pathogenic (PMID: 17657824, 19293843). This variant is not present in population databases (gnomAD no frequency). This variant has not been reported in the literature in individuals affected with FBN1-related conditions. Algorithms developed to predict the effect of sequence changes on RNA splicing suggest that this variant may disrupt the consensus splice site. For these reasons, this variant has been classified as Pathogenic.

Literature cited by the submitters: PubMed 17657824; PubMed 19293843.

NM_000138.5(FBN1):c.2005C>T (p.Gln669Ter)

Gene: FBN1 (fibrillin 1; minus strand). Cytogenetic location: 15q21.1.
Variant type: single nucleotide variant.
Coding change: c.2005C>T on transcript NM_000138.5 (MANE Select); coding-DNA position 2005, C replaced by T.
Protein change: p.Gln669Ter; replaces glutamine 669 with a stop codon.
Molecular consequence: nonsense.
Genome position (GRCh38, 1-based): chr15:48,503,895, G>A on the plus strand (C>T on the coding strand, the complement: FBN1 is on the minus strand). VCF-style: chr15-48503895-G-A. GRCh37 (hg19) VCF-style: chr15-48796092-G-A.
Other names: c.2005C>T, p.Gln669Ter (NM_001406716.1); short protein forms Q669*.
Identifiers: ClinVar variation 2014836 (VCV002014836.4), dbSNP rs2505591313, ClinGen allele CA392338628.
Genomic context (GRCh38, chr15:48,503,895, plus strand): 5'-CAGTGCTGGCGCAACAGCATTCAGATTTAGTGACAGCACCAAACAAAGGTTTGATACACT[G>A]GCCTCTCTTGTATCCACCATAGCATGTGCTCCGCATGTGTGTGTCTAAACAGGAAGAAGC-3'